The following is an entry in ClinVar:

ClinVar aggregate classification (germline): Uncertain significance. Review status: criteria provided, multiple submitters, no conflicts (2 of 4 stars). 2 submissions from 2 submitters: Uncertain significance (2). Last evaluated 2026-07-18.

Conditions:
ATP1A1-related disorder. Also called: ATP1A1-related condition.

gnomAD v4.1: 1 of 1,614,180 alleles (0.000062%); no homozygotes.

Submissions (2):

PreventionGenetics, part of Exact Sciences
Classification: Uncertain significance for ATP1A1-related condition. Last evaluated: 2026-07-18. Review status: criteria provided, single submitter. Criteria: ACMG Guidelines, 2015. Collection method: clinical testing. Allele origin: germline.
Comment: The ATP1A1 c.1556G>A variant is predicted to result in the amino acid substitution p.Ser519Asn. To our knowledge, this variant has not been reported in the literature or in a large population database (gnomAD), indicating this variant is rare. At this time, the clinical significance of this variant is uncertain due to the absence of conclusive functional and genetic evidence.

Labcorp Genetics (formerly Invitae), Labcorp
Classification: Uncertain significance. Last evaluated: 2024-04-22. Review status: criteria provided, single submitter. Criteria: Invitae Variant Classification Sherloc (09022015). Collection method: clinical testing. Allele origin: germline.
Comment: This sequence change replaces serine, which is neutral and polar, with asparagine, which is neutral and polar, at codon 519 of the ATP1A1 protein (p.Ser519Asn). This variant is not present in population databases (gnomAD no frequency). This variant has not been reported in the literature in individuals affected with ATP1A1-related conditions. Advanced modeling of protein sequence and biophysical properties (such as structural, functional, and spatial information, amino acid conservation, physicochemical variation, residue mobility, and thermodynamic stability) performed at Invitae indicates that this missense variant is not expected to disrupt ATP1A1 protein function with a negative predictive value of 80%. In summary, the available evidence is currently insufficient to determine the role of this variant in disease. Therefore, it has been classified as a Variant of Uncertain Significance.

NM_000701.8(ATP1A1):c.1556G>A (p.Ser519Asn)

Genes: ATP1A1 (ATPase Na+/K+ transporting subunit alpha 1; plus strand), ATP1A1-AS1 (ATP1A1 antisense RNA 1; minus strand). Cytogenetic location: 1p13.1.
Variant type: single nucleotide variant.
Coding change: c.1556G>A on transcript NM_000701.8 (MANE Select); coding-DNA position 1556, G replaced by A.
Protein change: p.Ser519Asn; replaces serine 519 with asparagine.
Molecular consequence: missense variant.
Genome position (GRCh38, 1-based): chr1:116,393,619, G>A. VCF-style: chr1-116393619-G-A. GRCh37 (hg19) VCF-style: chr1-116936241-G-A.
Other names: c.1556G>A (NM_000701.7); c.1556G>A, p.Ser519Asn (NM_001160233.2); c.1463G>A, p.Ser488Asn (NM_001160234.2); short protein forms S488N, S519N.
Identifiers: ClinVar variation 2789221 (VCV002789221.6), dbSNP rs1652653232, ClinGen allele CA341771058.